The following is an entry in ClinVar:

NM_001161352.2(KCNMA1):c.1498G>A (p.Ala500Thr)

Gene: KCNMA1 (potassium calcium-activated channel subfamily M alpha 1; minus strand). Cytogenetic location: 10q22.3.
Variant type: single nucleotide variant.
Coding change: c.1498G>A on transcript NM_001161352.2 (MANE Select); coding-DNA position 1498, G replaced by A.
Protein change: p.Ala500Thr; replaces alanine 500 with threonine.
Molecular consequence: missense variant.
Genome position (GRCh38, 1-based): chr10:77,084,662, C>T on the plus strand (G>A on the coding strand, the complement: KCNMA1 is on the minus strand). VCF-style: chr10-77084662-C-T. GRCh37 (hg19) VCF-style: chr10-78844420-C-T.
Other names: c.1498G>A, p.Ala500Thr (NM_001014797.3, NM_001161353.2, NM_001271519.2 and 8 more transcripts); c.1336G>A, p.Ala446Thr (NM_001271518.2); c.958G>A, p.Ala320Thr (NM_001322838.2); short protein forms A320T, A446T, A500T.
Identifiers: ClinVar variation 2580456 (VCV002580456.1), dbSNP rs2096653725, ClinGen allele CA377406654.
Genomic context (GRCh38, chr10:77,084,662, plus strand): 5'-AAGCCCAGGGCCTTCCGCAGCGCCCCAAGAGTTACCTCATGATATTCGAGGCATCCTCCG[C>T]ATCCGGGTCAGCGCAGTACTTGTTGGCAAGGATCAGGCATGCATCTGCTGACTCTATCTA-3'
Protein context (NP_001154824.1, residues 490-510): LANKYCADPD[Ala500Thr]EDASNIMRVI

ClinVar aggregate classification (germline): Uncertain significance (1 of 4 stars; one submission).

Submission:

GeneDx
Classification: Uncertain significance. Last evaluated: 2023-03-24. Review status: criteria provided, single submitter. Criteria: GeneDx Variant Classification Process June 2021. Collection method: clinical testing. Allele origin: germline. Affected: yes.
Comment: In silico analysis supports that this missense variant has a deleterious effect on protein structure/function; Not observed at significant frequency in large population cohorts (gnomAD); Has not been previously published as pathogenic or benign to our knowledge